The following is an entry in ClinVar:

ClinVar aggregate classification (germline): Uncertain significance (1 of 4 stars; one submission).

Allele frequency attached by ClinVar (database versions not stated): gnomAD exomes below 0.00001; ExAC 0.00001.
gnomAD v4.1: 4 of 1,613,034 alleles (0.00025%); highest among the groups gnomAD compares: South Asian, 0.0011%; no homozygotes.

Submission:

Labcorp Genetics (formerly Invitae), Labcorp
Classification: Uncertain significance. Last evaluated: 2022-06-11. Review status: criteria provided, single submitter. Criteria: Invitae Variant Classification Sherloc (09022015). Collection method: clinical testing. Allele origin: germline.
Comment: In summary, the available evidence is currently insufficient to determine the role of this variant in disease. Therefore, it has been classified as a Variant of Uncertain Significance. Algorithms developed to predict the effect of missense changes on protein structure and function are either unavailable or do not agree on the potential impact of this missense change (SIFT: "Deleterious"; PolyPhen-2: "Benign"; Align-GVGD: "Class C0"). This variant has not been reported in the literature in individuals affected with AEBP1-related conditions. This variant is present in population databases (rs769797324, gnomAD 0.0009%). This sequence change replaces threonine, which is neutral and polar, with alanine, which is neutral and non-polar, at codon 780 of the AEBP1 protein (p.Thr780Ala).

NM_001129.5(AEBP1):c.2338A>G (p.Thr780Ala)

Gene: AEBP1 (AE binding protein 1; plus strand). Cytogenetic location: 7p13.
Variant type: single nucleotide variant.
Coding change: c.2338A>G on transcript NM_001129.5 (MANE Select); coding-DNA position 2338, A replaced by G.
Protein change: p.Thr780Ala; replaces threonine 780 with alanine.
Molecular consequence: missense variant.
Genome position (GRCh38, 1-based): chr7:44,112,678, A>G. VCF-style: chr7-44112678-A-G. GRCh37 (hg19) VCF-style: chr7-44152277-A-G.
Other names: short protein forms T780A.
Identifiers: ClinVar variation 2103424 (VCV002103424.2), dbSNP rs769797324, ClinGen allele CA4238183.